The following is an entry in ClinVar:

NM_022124.6(CDH23):c.1604C>T (p.Ala535Val)

Gene: CDH23 (cadherin related 23; plus strand). Cytogenetic location: 10q22.1.
Variant type: single nucleotide variant.
Coding change: c.1604C>T on transcript NM_022124.6 (MANE Select); coding-DNA position 1604, C replaced by T.
Protein change: p.Ala535Val; replaces alanine 535 with valine.
Molecular consequence: missense variant.
Genome position (GRCh38, 1-based): chr10:71,677,545, C>T. VCF-style: chr10-71677545-C-T. GRCh37 (hg19) VCF-style: chr10-73437302-C-T.
Other names: c.1604C>T, p.Ala535Val (NM_001171930.2, NM_001171931.2); short protein forms A535V.
Identifiers: ClinVar variation 1963396 (VCV001963396.4), dbSNP rs2493938173, ClinGen allele CA377130337.
Genomic context (GRCh38, chr10:71,677,545, plus strand): 5'-TCATGCTGATTGCCAGGCTGGACTATGAGCTCATCCAGCGCTTCACCCTGACGATCATTG[C>T]CCGGGACGGGGGCGGCGAGGAGACCACAGGCCGGGTCAGGATCAATGTGTTGGATGTCAA-3'
Protein context (NP_071407.4, residues 525-545): LIQRFTLTII[Ala535Val]RDGGGEETTG

ClinVar aggregate classification (germline): Uncertain significance (1 of 4 stars; one submission).

gnomAD v4.1: 1 of 1,611,808 alleles (0.000062%); highest among the groups gnomAD compares: South Asian, 0.0011%; no homozygotes.

Submission:

Labcorp Genetics (formerly Invitae), Labcorp
Classification: Uncertain significance. Last evaluated: 2024-10-16. Review status: criteria provided, single submitter. Criteria: Invitae Variant Classification Sherloc (09022015). Collection method: clinical testing. Allele origin: germline.
Comment: This sequence change replaces alanine, which is neutral and non-polar, with valine, which is neutral and non-polar, at codon 535 of the CDH23 protein (p.Ala535Val). This variant is not present in population databases (gnomAD no frequency). This variant has not been reported in the literature in individuals affected with CDH23-related conditions. ClinVar contains an entry for this variant (Variation ID: 1963396). Invitae Evidence Modeling of protein sequence and biophysical properties (such as structural, functional, and spatial information, amino acid conservation, physicochemical variation, residue mobility, and thermodynamic stability) has been performed for this missense variant. However, the output from this modeling did not meet the statistical confidence thresholds required to predict the impact of this variant on CDH23 protein function. In summary, the available evidence is currently insufficient to determine the role of this variant in disease. Therefore, it has been classified as a Variant of Uncertain Significance.